The following is an entry in ClinVar:

NM_014264.5(PLK4):c.1636A>G (p.Met546Val)

Gene: PLK4 (polo like kinase 4; plus strand). Cytogenetic location: 4q28.1.
Variant type: single nucleotide variant.
Coding change: c.1636A>G on transcript NM_014264.5 (MANE Select); coding-DNA position 1636, A replaced by G.
Protein change: p.Met546Val; replaces methionine 546 with valine.
Molecular consequence: missense variant.
Genome position (GRCh38, 1-based): chr4:127,890,042, A>G. VCF-style: chr4-127890042-A-G. GRCh37 (hg19) VCF-style: chr4-128811197-A-G.
Other names: c.1540A>G, p.Met514Val (NM_001190799.2); c.1513A>G, p.Met505Val (NM_001190801.2); short protein forms M546V, M514V, M505V.
Identifiers: ClinVar variation 1899703 (VCV001899703.3), dbSNP rs1735293436, ClinGen allele CA358156671.

ClinVar aggregate classification (germline): Uncertain significance (1 of 4 stars; one submission).

Allele frequency attached by ClinVar (database versions not stated): gnomAD exomes below 0.00001; TOPMed below 0.00001.
gnomAD v4.1: 1 of 1,613,908 alleles (0.000062%); highest among the groups gnomAD compares: East Asian, 0.0022%; no homozygotes.

Submission:

Labcorp Genetics (formerly Invitae), Labcorp
Classification: Uncertain significance. Last evaluated: 2022-08-09. Review status: criteria provided, single submitter. Criteria: Invitae Variant Classification Sherloc (09022015). Collection method: clinical testing. Allele origin: germline.
Comment: In summary, the available evidence is currently insufficient to determine the role of this variant in disease. Therefore, it has been classified as a Variant of Uncertain Significance. Algorithms developed to predict the effect of missense changes on protein structure and function output the following: SIFT: "Tolerated"; PolyPhen-2: "Benign"; Align-GVGD: "Class C0". The valine amino acid residue is found in multiple mammalian species, which suggests that this missense change does not adversely affect protein function. This variant has not been reported in the literature in individuals affected with PLK4-related conditions. This variant is not present in population databases (gnomAD no frequency). This sequence change replaces methionine, which is neutral and non-polar, with valine, which is neutral and non-polar, at codon 546 of the PLK4 protein (p.Met546Val).